The following is an entry in ClinVar:

ClinVar aggregate classification (germline): Pathogenic (1 of 4 stars; one submission).

Conditions:
Tuberous sclerosis 1 (TSC1). Identifiers: Orphanet 805, MedGen C1854465, MONDO:0008612, OMIM 191100.

Submission:

Labcorp Genetics (formerly Invitae), Labcorp
Classification: Pathogenic for Tuberous sclerosis 1. Last evaluated: 2021-06-07. Review status: criteria provided, single submitter. Criteria: Invitae Variant Classification Sherloc (09022015). Collection method: clinical testing. Allele origin: germline.
Comment: This sequence change creates a premature translational stop signal (p.Gly461Valfs*2) in the TSC1 gene. It is expected to result in an absent or disrupted protein product. Loss-of-function variants in TSC1 are known to be pathogenic (PMID: 10227394, 17304050). This variant is not present in population databases (ExAC no frequency). This variant has not been reported in the literature in individuals with TSC1-related conditions. Algorithms developed to predict the effect of sequence changes on RNA splicing suggest that this variant may create or strengthen a splice site, but this prediction has not been confirmed by published transcriptional studies. For these reasons, this variant has been classified as Pathogenic.

Literature cited by the submitters: PubMed 10227394; PubMed 17304050.

NM_000368.5(TSC1):c.1382_1385del (p.Gly461fs)

Gene: TSC1 (TSC complex subunit 1; minus strand). Cytogenetic location: 9q34.13.
Variant type: Deletion.
Coding change: c.1382_1385del on transcript NM_000368.5 (MANE Select); coding-DNA positions 1382 to 1385, 4 bases deleted (GGTT; older notation c.1382_1385delGGTT).
Protein change: p.Gly461fs; shifts the reading frame from glycine 461.
Molecular consequence: frameshift variant.
Genome position (GRCh38, 1-based): chr9:132,906,784-132,906,787, AACC deleted on the plus strand (GGTT on the coding strand, the reverse complement: TSC1 is on the minus strand). VCF-style (leftmost placement, unchanged base first): chr9-132906783-AAACC-A. GRCh37 (hg19) VCF-style: chr9-135782170-AAACC-A.
Other names: c.1379_1382del, p.Gly460fs (NM_001162426.2); c.1229_1232del, p.Gly410fs (NM_001162427.2); c.1019_1022del, p.Gly340fs (NM_001362177.2); short protein forms G410fs, G340fs, G461fs, G460fs.
Identifiers: ClinVar variation 1455506 (VCV001455506.6), dbSNP rs2131865150, ClinGen allele CA2573144296.